The following is an entry in ClinVar:

NM_000038.6(APC):c.5735C>T (p.Ala1912Val)

Gene: APC (APC regulator of Wnt signaling pathway; plus strand). Cytogenetic location: 5q22.2.
Variant type: single nucleotide variant.
Coding change: c.5735C>T on transcript NM_000038.6 (MANE Select); coding-DNA position 5735, C replaced by T.
Protein change: p.Ala1912Val; replaces alanine 1912 with valine.
Molecular consequence: missense variant.
Genome position (GRCh38, 1-based): chr5:112,841,329, C>T. VCF-style: chr5-112841329-C-T. GRCh37 (hg19) VCF-style: chr5-112177026-C-T.
Other names: c.5735C>T, p.Ala1912Val (NM_001127510.3, NM_001354895.2); c.5681C>T, p.Ala1894Val (NM_001127511.3); c.5789C>T, p.Ala1930Val (NM_001354896.2); c.5765C>T, p.Ala1922Val (NM_001354897.2); c.5660C>T, p.Ala1887Val (NM_001354898.2); c.5651C>T, p.Ala1884Val (NM_001354899.2); c.5612C>T, p.Ala1871Val (NM_001354900.2); c.5558C>T, p.Ala1853Val (NM_001354901.2); and 6 more; short protein forms A1752V, A1871V, A1922V, A1930V, A1821V, A1887V, A1894V, A1912V.
Identifiers: ClinVar variation 1039898 (VCV001039898.11), dbSNP rs1580663082, ClinGen allele CA16033889.

ClinVar aggregate classification (germline): Uncertain significance. Review status: criteria provided, multiple submitters, no conflicts (2 of 4 stars). 2 submissions from 2 submitters: Uncertain significance (2). Last evaluated 2025-07-14.

Conditions:
Hereditary cancer-predisposing syndrome. Also called: Neoplastic Syndromes, Hereditary; Hereditary Cancer Syndrome; Tumor predisposition; Hereditary neoplastic syndrome. Identifiers: Orphanet 140162, MedGen C0027672, MeSH D009386, MONDO:0015356.
Familial adenomatous polyposis 1 (FAP1). Also called: FAMILIAL ADENOMATOUS POLYPOSIS 1, ATTENUATED; POLYPOSIS, ADENOMATOUS INTESTINAL. Identifiers: MedGen C2713442, MONDO:0021056, OMIM 175100. Disease mechanism: loss of function.

Submissions (2):

Ambry Genetics
Classification: Uncertain significance for Hereditary cancer-predisposing syndrome. Last evaluated: 2025-07-14. Review status: criteria provided, single submitter. Criteria: Ambry Variant Classification Scheme 2023. Collection method: clinical testing. Allele origin: germline.
Comment: The p.A1912V variant (also known as c.5735C>T), located in coding exon 15 of the APC gene, results from a C to T substitution at nucleotide position 5735. The alanine at codon 1912 is replaced by valine, an amino acid with similar properties. This amino acid position is conserved. In addition, in silico predictors for this gene do not accurately predict pathogenicity. Based on the available evidence, the clinical significance of this variant remains unclear.

Labcorp Genetics (formerly Invitae), Labcorp
Classification: Uncertain significance for Familial adenomatous polyposis 1. Last evaluated: 2020-08-19. Review status: criteria provided, single submitter. Criteria: Invitae Variant Classification Sherloc (09022015). Collection method: clinical testing. Allele origin: germline.
Comment: This sequence change replaces alanine with valine at codon 1912 of the APC protein (p.Ala1912Val). The alanine residue is moderately conserved and there is a small physicochemical difference between alanine and valine. In summary, the available evidence is currently insufficient to determine the role of this variant in disease. Therefore, it has been classified as a Variant of Uncertain Significance. Algorithms developed to predict the effect of missense changes on protein structure and function output the following: SIFT: "Tolerated"; PolyPhen-2: "Benign"; Align-GVGD: "Class C0". The valine amino acid residue is found in multiple mammalian species, suggesting that this missense change does not adversely affect protein function. These predictions have not been confirmed by published functional studies and their clinical significance is uncertain. This variant has not been reported in the literature in individuals with APC-related conditions. This variant is not present in population databases (ExAC no frequency).